The following is an entry in ClinVar:

ClinVar aggregate classification (germline): Uncertain significance (1 of 4 stars; one submission).

gnomAD v4.1: 4 of 1,614,158 alleles (0.00025%); highest among the groups gnomAD compares: Middle Eastern, 0.016%; no homozygotes.

Submission:

GeneDx
Classification: Uncertain significance. Last evaluated: 2023-05-27. Review status: criteria provided, single submitter. Criteria: GeneDx Variant Classification Process June 2021. Collection method: clinical testing. Allele origin: germline. Affected: yes.
Comment: Not observed at significant frequency in large population cohorts (gnomAD); In silico analysis supports that this missense variant does not alter protein structure/function; Has not been previously published as pathogenic or benign to our knowledge

NM_014991.6(WDFY3):c.2013T>G (p.Asn671Lys)

Genes: WDFY3 (WD repeat and FYVE domain containing 3; minus strand), WDFY3-AS1 (WDFY3 antisense RNA 1; plus strand). Cytogenetic location: 4q21.23.
Variant type: single nucleotide variant.
Coding change: c.2013T>G on transcript NM_014991.6 (MANE Select); coding-DNA position 2013, T replaced by G.
Protein change: p.Asn671Lys; replaces asparagine 671 with lysine.
Molecular consequence: missense variant. On other transcripts: non-coding transcript variant (1).
Genome position (GRCh38, 1-based): chr4:84,810,219, A>C on the plus strand (T>G on the coding strand, the complement: WDFY3 is on the minus strand). VCF-style: chr4-84810219-A-C. GRCh37 (hg19) VCF-style: chr4-85731372-A-C.
Other names: short protein forms N671K.
Identifiers: ClinVar variation 3362180 (VCV003362180.1).